The following is an entry in ClinVar:

NM_004937.3(CTNS):c.286C>T (p.Gln96Ter)

Genes: CTNS (cystinosin, lysosomal cystine transporter; plus strand), CTNS-AS1 (CTNS antisense RNA 1; minus strand). Cytogenetic location: 17p13.2.
Variant type: single nucleotide variant.
Coding change: c.286C>T on transcript NM_004937.3 (MANE Select); coding-DNA position 286, C replaced by T.
Protein change: p.Gln96Ter; replaces glutamine 96 with a stop codon.
Molecular consequence: nonsense. On other transcripts: 5 prime UTR variant (4).
Genome position (GRCh38, 1-based): chr17:3,655,058, C>T. VCF-style: chr17-3655058-C-T. GRCh37 (hg19) VCF-style: chr17-3558352-C-T.
Other names: c.286C>T, p.Gln96Ter (NM_001031681.3, NM_001374492.1); c.-156C>T (NM_001374493.1, NM_001374494.1, NM_001374495.1 and 1 more transcripts); short protein forms Q96*.
Identifiers: ClinVar variation 1724190 (VCV001724190.9), dbSNP rs2507742346, ClinGen allele CA397690178.

ClinVar aggregate classification (germline): Pathogenic/Likely pathogenic. Review status: criteria provided, multiple submitters, no conflicts (2 of 4 stars). 3 submissions from 3 submitters: Pathogenic (1); Likely pathogenic (2). Last evaluated 2024-02-28.

Conditions:
Cystinosis. Also called: Cystine diathesis; Cystine storage disease; Cystinoses. Identifiers: Orphanet 213, MedGen C4316899, MONDO:0016239.
Juvenile nephropathic cystinosis. Also called: Intermediate Cystinosis; CYSTINOSIS, LATE-ONSET JUVENILE OR ADOLESCENT NEPHROPATHIC TYPE; Later-Onset (Juvenile) Cystinosis. Identifiers: Orphanet 213, Orphanet 411634, MedGen C0268626, MONDO:0009066, OMIM 219900.
Inborn genetic diseases. Identifiers: MedGen C0950123, MeSH D030342.
Ocular cystinosis. Also called: Non-Nephropathic Cystinosis; Non-Nephropathic (Ocular) Cystinosis. Identifiers: Orphanet 213, Orphanet 411641, MedGen C2931013, MONDO:0009064, OMIM 219750.
Nephropathic cystinosis (CTNS). Also called: CYSTINOSIN, DEFECT OF; LYSOSOMAL CYSTINE TRANSPORT PROTEIN, DEFECT OF; Abderhalden Lignac Kaufmann disease; Abderhalden-Kaufmann-Lignac syndrome. Identifiers: Orphanet 213, Orphanet 411629, MedGen C2931187, MONDO:0100151, OMIM 219800.

Submissions (3):

Baylor Genetics
Classification: Likely pathogenic for Nephropathic cystinosis. Last evaluated: 2024-02-28. Review status: criteria provided, single submitter. Criteria: ACMG Guidelines, 2015. Collection method: clinical testing. Allele origin: unknown.

Labcorp Genetics (formerly Invitae), Labcorp
Classification: Pathogenic for Inborn genetic diseases; Ocular cystinosis; Juvenile nephropathic cystinosis. Last evaluated: 2022-10-14. Review status: criteria provided, single submitter. Criteria: Invitae Variant Classification Sherloc (09022015). Collection method: clinical testing. Allele origin: germline.
Comment: For these reasons, this variant has been classified as Pathogenic. Algorithms developed to predict the effect of sequence changes on RNA splicing suggest that this variant may disrupt the consensus splice site. This variant has not been reported in the literature in individuals affected with CTNS-related conditions. This variant is not present in population databases (gnomAD no frequency). This sequence change creates a premature translational stop signal (p.Gln96*) in the CTNS gene. It is expected to result in an absent or disrupted protein product. Loss-of-function variants in CTNS are known to be pathogenic (PMID: 9537412, 27102039).

Myriad Genetics, Inc.
Classification: Likely pathogenic for Cystinosis. Last evaluated: 2022-02-01. Review status: criteria provided, single submitter. Criteria: Myriad Autosomal Dominant, Autosomal Recessive and X-Linked Classification Criteria (2023). Collection method: clinical testing. Allele origin: unknown.
Comment: NM_004937.2(CTNS):c.286C>T(Q96*) is expected to be pathogenic in the context of cystinosis. This variant is predicted to lead to an abnormal or absent protein product due to the creation of a premature termination codon in CTNS, a gene where loss-of-function variants are known to be pathogenic. Please note: this variant was assessed in the context of healthy population screening.

Literature cited by the submitters: PubMed 9537412 (cited by Labcorp Genetics (formerly Invitae), Labcorp); PubMed 27102039 (cited by Labcorp Genetics (formerly Invitae), Labcorp).